The following is an entry in ClinVar:

NM_001190274.2(FBXO11):c.1743T>A (p.Cys581Ter)

Gene: FBXO11 (F-box protein 11; minus strand). Cytogenetic location: 2p16.3.
Variant type: single nucleotide variant.
Coding change: c.1743T>A on transcript NM_001190274.2 (MANE Select); coding-DNA position 1743, T replaced by A.
Protein change: p.Cys581Ter; replaces cysteine 581 with a stop codon.
Molecular consequence: nonsense.
Genome position (GRCh38, 1-based): chr2:47,820,416, A>T on the plus strand (T>A on the coding strand, the complement: FBXO11 is on the minus strand). VCF-style: chr2-47820416-A-T. GRCh37 (hg19) VCF-style: chr2-48047555-A-T.
Other names: c.1491T>A, p.Cys497Ter (NM_001374325.1, NM_025133.4); short protein forms C497*, C581*.
Identifiers: ClinVar variation 4687989 (VCV004687989.1).

ClinVar aggregate classification (germline): Pathogenic (1 of 4 stars; one submission).

Conditions:
Intellectual developmental disorder with dysmorphic facies and behavioral abnormalities. Identifiers: MedGen C4748135, MONDO:0060760, OMIM 618089.

Submission:

Human Genetics Bochum, Ruhr University Bochum
Classification: Pathogenic for Intellectual developmental disorder with dysmorphic facies and behavioral abnormalities. Last evaluated: 2024-04-08. Review status: criteria provided, single submitter. Criteria: ACMG Guidelines, 2015. Collection method: clinical testing. Allele origin: germline. Affected: yes.
Comment: ACMG criteria used to clasify this variant: PVS1, PS2, PM2_SUP